The following is an entry in ClinVar:

NM_178012.5(TUBB2B):c.287G>A (p.Gly96Glu)

Gene: TUBB2B (tubulin beta 2B class IIb; minus strand). Cytogenetic location: 6p25.2.
Variant type: single nucleotide variant.
Coding change: c.287G>A on transcript NM_178012.5 (MANE Select); coding-DNA position 287, G replaced by A.
Protein change: p.Gly96Glu; replaces glycine 96 with glutamic acid.
Molecular consequence: missense variant.
Genome position (GRCh38, 1-based): chr6:3,225,802, C>T on the plus strand (G>A on the coding strand, the complement: TUBB2B is on the minus strand). VCF-style: chr6-3225802-C-T. GRCh37 (hg19) VCF-style: chr6-3226036-C-T.
Other names: short protein forms G96E.
Identifiers: ClinVar variation 1720661 (VCV001720661.5), dbSNP rs2533617772, ClinGen allele CA362589481.

ClinVar aggregate classification (germline): Pathogenic (1 of 4 stars; one submission).

Submission:

Labcorp Genetics (formerly Invitae), Labcorp
Classification: Pathogenic. Last evaluated: 2022-11-25. Review status: criteria provided, single submitter. Criteria: Invitae Variant Classification Sherloc (09022015). Collection method: clinical testing. Allele origin: germline.
Comment: For these reasons, this variant has been classified as Pathogenic. Advanced modeling of protein sequence and biophysical properties (such as structural, functional, and spatial information, amino acid conservation, physicochemical variation, residue mobility, and thermodynamic stability) performed at Invitae indicates that this missense variant is expected to disrupt TUBB2B protein function. This missense change has been observed in individual(s) with clinical features of cortical malformations (Invitae). In at least one individual the variant was observed to be de novo. This variant is not present in population databases (gnomAD no frequency). This sequence change replaces glycine, which is neutral and non-polar, with glutamic acid, which is acidic and polar, at codon 96 of the TUBB2B protein (p.Gly96Glu).